The following is an entry in ClinVar:

ClinVar aggregate classification (germline): Likely pathogenic (1 of 4 stars; one submission).

Submission:

Labcorp Genetics (formerly Invitae), Labcorp
Classification: Likely pathogenic. Last evaluated: 2023-11-21. Review status: criteria provided, single submitter. Criteria: Invitae Variant Classification Sherloc (09022015). Collection method: clinical testing. Allele origin: germline.
Comment: This sequence change replaces valine, which is neutral and non-polar, with glycine, which is neutral and non-polar, at codon 437 of the TGM1 protein (p.Val437Gly). This variant is not present in population databases (gnomAD no frequency). This missense change has been observed in individual(s) with lamellar ichthyosis (PMID: 25998749). Advanced modeling of protein sequence and biophysical properties (such as structural, functional, and spatial information, amino acid conservation, physicochemical variation, residue mobility, and thermodynamic stability) performed at Invitae indicates that this missense variant is expected to disrupt TGM1 protein function with a positive predictive value of 95%. In summary, the currently available evidence indicates that the variant is pathogenic, but additional data are needed to prove that conclusively. Therefore, this variant has been classified as Likely Pathogenic.

Literature cited by the submitters: PubMed 25998749.

NM_000359.3(TGM1):c.1310T>G (p.Val437Gly)

Gene: TGM1 (transglutaminase 1; minus strand). Cytogenetic location: 14q12.
Variant type: single nucleotide variant.
Coding change: c.1310T>G on transcript NM_000359.3 (MANE Select); coding-DNA position 1310, T replaced by G.
Protein change: p.Val437Gly; replaces valine 437 with glycine.
Molecular consequence: missense variant.
Genome position (GRCh38, 1-based): chr14:24,258,377, A>C on the plus strand (T>G on the coding strand, the complement: TGM1 is on the minus strand). VCF-style: chr14-24258377-A-C. GRCh37 (hg19) VCF-style: chr14-24727583-A-C.
Other names: short protein forms V437G.
Identifiers: ClinVar variation 2736101 (VCV002736101.3), dbSNP rs976660866, ClinGen allele CA257897739.